The following is an entry in ClinVar:

NM_001042492.3(NF1):c.3870+19G>A

Gene: NF1 (neurofibromin 1; plus strand). Cytogenetic location: 17q11.2.
Variant type: single nucleotide variant.
Coding change: c.3870+19G>A on transcript NM_001042492.3 (MANE Select); 19 bases into the intron after coding-DNA position 3870, G replaced by A.
Molecular consequence: intron variant.
Genome position (GRCh38, 1-based): chr17:31,235,791, G>A. VCF-style: chr17-31235791-G-A. GRCh37 (hg19) VCF-style: chr17-29562809-G-A.
Other names: c.3870+19G>A (NM_000267.4).
Identifiers: ClinVar variation 4934556 (VCV004934556.2).

ClinVar aggregate classification (germline): Benign/Likely benign. Review status: criteria provided, multiple submitters, no conflicts (2 of 4 stars). 2 submissions from 2 submitters: Benign (1); Likely benign (1). Last evaluated 2026-09-23.

Conditions:
Neurofibromatosis, type 1 (NF1). Also called: VON RECKLINGHAUSEN DISEASE; NEUROFIBROMATOSIS, TYPE I, SOMATIC; Peripheral type neurofibromatosis; Neurofibromatosis, type I. Identifiers: Orphanet 636, MedGen C0027831, MONDO:0018975, OMIM 162200. Disease mechanism: loss of function.

Submissions (2):

Myriad Genetics, Inc.
Classification: Benign for Neurofibromatosis, type 1. Last evaluated: 2026-09-23. Review status: criteria provided, single submitter. Criteria: Myriad Autosomal Dominant, Autosomal Recessive and X-Linked Classification Criteria (2023). Collection method: clinical testing. Allele origin: unknown.
Comment: This variant is considered benign. This variant is intronic and is not expected to impact mRNA splicing.

Blueprint Genetics
Classification: Likely benign. Last evaluated: 2022-07-06. Review status: criteria provided, single submitter. Criteria: ACMG Guidelines, 2015. Collection method: clinical testing. Allele origin: germline.